The following is an entry in ClinVar:

ClinVar aggregate classification (germline): Conflicting classifications of pathogenicity. Review status: criteria provided, conflicting classifications (1 of 4 stars). 9 submissions from 9 submitters: Pathogenic (7); Uncertain significance (1). 1 of the submissions does not count toward it. Last evaluated 2026-01-20.

Conditions:
DDX41-related disorder. Also called: DDX41-related condition.
Inborn genetic diseases. Identifiers: MedGen C0950123, MeSH D030342.
DDX41-related hematologic malignancy predisposition syndrome. Also called: Myeloproliferative/lymphoproliferative neoplasms, familial (multiple types), susceptibility to; DDX41-Associated Familial Myelodysplastic Syndrome and Acute Myeloid Leukemia. Identifiers: Orphanet 488647, MedGen C4225174, MONDO:0014809, OMIM 616871.

Allele frequency attached by ClinVar (database versions not stated): gnomAD 0.00001; gnomAD exomes 0.00001 and 0.00005; TOPMed 0.00003.

Submissions (9):

Labcorp Genetics (formerly Invitae), Labcorp
Classification: Pathogenic. Last evaluated: 2026-01-20. Review status: criteria provided, single submitter. Criteria: Invitae Variant Classification Sherloc (09022015). Collection method: clinical testing. Allele origin: germline.
Comment: This sequence change creates a premature translational stop signal (p.Met316Aspfs*31) in the DDX41 gene. It is expected to result in an absent or disrupted protein product. Loss-of-function variants in DDX41 are known to be pathogenic (PMID: 26712909, 27133828). The frequency data for this variant in the population databases is considered unreliable, as metrics indicate poor data quality at this position in the gnomAD database. This premature translational stop signal has been observed in individual(s) with myelodysplastic syndrome (PMID: 33585199). ClinVar contains an entry for this variant (Variation ID: 1200681). For these reasons, this variant has been classified as Pathogenic.

PreventionGenetics, part of Exact Sciences
Classification: Pathogenic for DDX41-related condition. Last evaluated: 2025-07-08. Review status: criteria provided, single submitter. Criteria: ACMG Guidelines, 2015. Collection method: clinical testing. Allele origin: germline.
Comment: The DDX41 c.946_947delAT variant is predicted to result in a frameshift and premature protein termination (p.Met316Aspfs*31). This variant has been reported as an apparent germline variant in a patient with myelodysplastic syndrome (MDS; Alkhateeb et al. 2021. PubMed ID: 34644397), and in a patient with MDS with excess blasts who also had a family history of MDS and breast cancer (Table S1, Bannon et al. 2020. PubMed ID: 33585199). Variants in DDX41 resulting in premature protein termination are known to cause myelodysplastic syndrome and acute myeloid leukemia (Quesada et al. 2019. PubMed ID: 30963592; Sébert et al. 2019. PubMed ID: 31484648). This variant is reported in 0.0023% of alleles in individuals of European (Non-Finnish) descent in gnomAD and is interpreted as pathogenic in ClinVar. This variant is interpreted as pathogenic.

Ambry Genetics
Classification: Pathogenic for Inborn genetic diseases. Last evaluated: 2025-02-05. Review status: criteria provided, single submitter. Criteria: Ambry Variant Classification Scheme 2023. Collection method: clinical testing. Allele origin: germline.
Comment: The c.946_947delAT variant, located in coding exon 10 of the DDX41 gene, results from a deletion of two nucleotides at nucleotide positions 946 to 947, causing a translational frameshift with a predicted alternate stop codon (p.M316Dfs*31). This alteration is expected to result in loss of function by premature protein truncation or nonsense-mediated mRNA decay. As such, this alteration is interpreted as a disease-causing mutation.

Molecular Pathology, Peter Maccallum Cancer Centre
Classification: Pathogenic for DDX41-related hematologic malignancy predisposition syndrome. Last evaluated: 2024-08-02. Review status: criteria provided, single submitter. Criteria: ACMG Guidelines, 2015. Collection method: clinical testing. Allele origin: germline.

GeneDx
Classification: Pathogenic. Last evaluated: 2024-06-27. Review status: criteria provided, single submitter. Criteria: GeneDx Variant Classification Process June 2021. Collection method: clinical testing. Allele origin: germline. Affected: yes.
Comment: Frameshift variant predicted to result in protein truncation or nonsense mediated decay in a gene for which loss of function is a known mechanism of disease; Not observed at significant frequency in large population cohorts (gnomAD); This variant is associated with the following publications: (PMID: 33585199, 34308104, 35671390, 34644397, 36672294, 37665752, 37506341, 34482403, 37434984)

Baylor Genetics
Classification: Pathogenic for DDX41-related hematologic malignancy predisposition syndrome. Last evaluated: 2024-02-02. Review status: criteria provided, single submitter. Criteria: ACMG Guidelines, 2015. Collection method: clinical testing. Allele origin: unknown.

Blueprint Genetics
Classification: Uncertain significance. Last evaluated: 2024-01-12. Review status: criteria provided, single submitter. Criteria: ACMG Guidelines, 2015. Collection method: clinical testing. Allele origin: germline.

Genetic Services Laboratory, University of Chicago
Classification: Pathogenic. Last evaluated: 2019-12-27. Review status: criteria provided, single submitter. Criteria: ACMG Guidelines, 2015. Collection method: clinical testing. Allele origin: germline. Affected: yes.
Comment: DNA sequence analysis of the DDX41 gene demonstrated a 2 base pair deletion in exon 10, c.946_947del. This sequence change results in an amino acid frameshift and creates a premature stop codon 30 amino acids downstream of the change, p.Met316Aspfs*31. This sequence change is predicted to result in an abnormal transcript, which may be degraded, or may lead to the production of a truncated DDX41 protein with potentially abnormal function. While this particular sequence change has not been described in other patients with myelodysplastic syndromes/acute myeloid leukemia, other truncating variants in this gene have been described. This sequence change is present at a low frequency of 0.0011% in the gnomAD database, being seen in the heterozygous state in three individuals (dbSNP rs1411544367). These collective evidences indicate that this sequence change is pathogenic.

Clinical Genomics Labs, University Health Network
Classification: Pathogenic for DDX41-related hematologic malignancy predisposition syndrome. Last evaluated: 2021-06-23. Review status: no assertion criteria provided. Criteria: ACMG Guidelines, 2015. Collection method: clinical testing. Allele origin: germline. Affected: yes. Not counted in ClinVar's aggregate classification.

Literature cited by the submitters: PubMed 26712909 (cited by Labcorp Genetics (formerly Invitae), Labcorp); PubMed 27133828 (cited by Labcorp Genetics (formerly Invitae), Labcorp); PubMed 33585199 (cited by Labcorp Genetics (formerly Invitae), Labcorp).

NM_016222.4(DDX41):c.946_947del (p.Met316fs)

Gene: DDX41 (DEAD-box helicase 41; minus strand). Cytogenetic location: 5q35.3.
Variant type: Deletion.
Coding change: c.946_947del on transcript NM_016222.4 (MANE Select); coding-DNA positions 946 to 947, 2 bases deleted (AT; older notation c.946_947delAT).
Protein change: p.Met316fs; shifts the reading frame from methionine 316.
Molecular consequence: frameshift variant.
Genome position (GRCh38, 1-based): chr5:177,513,836-177,513,837, AT deleted on the plus strand (AT on the coding strand, the reverse complement: DDX41 is on the minus strand). VCF-style (leftmost placement, unchanged base first): chr5-177513835-CAT-C. GRCh37 (hg19) VCF-style: chr5-176940836-CAT-C.
Other names: c.946_947delAT (NM_016222.2, NM_016222.3); c.568_569del, p.Met190fs (NM_001321732.2, NM_001321830.2); short protein forms M190fs, M316fs.
Identifiers: ClinVar variation 1200681 (VCV001200681.20), dbSNP rs1411544367, ClinGen allele CA564900550.